The following is an entry in ClinVar:

ClinVar aggregate classification (germline): Conflicting classifications of pathogenicity. Review status: criteria provided, conflicting classifications (1 of 4 stars). 3 submissions from 3 submitters: Uncertain significance (2); Likely benign (1). Last evaluated 2025-01-13.

Conditions:
Inborn genetic diseases. Identifiers: MedGen C0950123, MeSH D030342.

Allele frequency attached by ClinVar (database versions not stated): gnomAD 0.00001; ExAC 0.00002; gnomAD exomes 0.00002; TOPMed 0.00002.
gnomAD v4.1: 31 of 1,613,314 alleles (0.0019%); highest among the groups gnomAD compares: Admixed American, 0.0067%; no homozygotes.

Submissions (3):

Labcorp Genetics (formerly Invitae), Labcorp
Classification: Uncertain significance. Last evaluated: 2025-01-13. Review status: criteria provided, single submitter. Criteria: Invitae Variant Classification Sherloc (09022015). Collection method: clinical testing. Allele origin: germline.
Comment: This sequence change affects codon 247 of the TTLL5 mRNA. It is a 'silent' change, meaning that it does not change the encoded amino acid sequence of the TTLL5 protein. It affects a nucleotide within the consensus splice site. This variant is present in population databases (rs765401548, gnomAD 0.006%). This variant has not been reported in the literature in individuals affected with TTLL5-related conditions. ClinVar contains an entry for this variant (Variation ID: 807141). Algorithms developed to predict the effect of sequence changes on RNA splicing suggest that this variant is not likely to affect RNA splicing. In summary, the available evidence is currently insufficient to determine the role of this variant in disease. Therefore, it has been classified as a Variant of Uncertain Significance.

Ambry Genetics
Classification: Likely benign for Inborn genetic diseases. Last evaluated: 2024-07-27. Review status: criteria provided, single submitter. Criteria: Ambry Variant Classification Scheme 2023. Collection method: clinical testing. Allele origin: germline.

CeGaT Center for Human Genetics Tuebingen
Classification: Uncertain significance. Last evaluated: 2018-10-01. Review status: criteria provided, single submitter. Criteria: CeGaT Center For Human Genetics Tuebingen Variant Classification Criteria Version 2. Collection method: clinical testing. Allele origin: germline. Affected: yes. Observed: 1 variant allele.

NM_015072.5(TTLL5):c.741G>A (p.Arg247=)

Gene: TTLL5 (tubulin tyrosine ligase like 5; plus strand). Cytogenetic location: 14q24.3.
Variant type: single nucleotide variant.
Coding change: c.741G>A on transcript NM_015072.5 (MANE Select); coding-DNA position 741, G replaced by A.
Protein change: p.Arg247=; no amino-acid change (arginine 247 retained).
Molecular consequence: synonymous variant.
Genome position (GRCh38, 1-based): chr14:75,717,861, G>A. VCF-style: chr14-75717861-G-A. GRCh37 (hg19) VCF-style: chr14-76184204-G-A.
Identifiers: ClinVar variation 807141 (VCV000807141.49), dbSNP rs765401548, ClinGen allele CA7279096.
Genomic context (GRCh38, chr14:75,717,861, plus strand): 5'-TCCAGCCTGTATTTCCTTGAAACTCTGTTCCTGGCATTTAACCTGTTTCCCTTCTATCAG[G>A]TTTGCAACTGTGCGATATGATCAAGGAGCCAAGAACATTCGGAACCAGTTCATGCATCTG-3'
Protein context (NP_055887.3, residues 237-257): VIYLYEEGLA[Arg247=]FATVRYDQGA